The following is an entry in ClinVar:

NM_152268.4(PARS2):c.366C>T (p.Leu122=)

Gene: PARS2 (prolyl-tRNA synthetase 2, mitochondrial; minus strand). Cytogenetic location: 1p32.3.
Variant type: single nucleotide variant.
Coding change: c.366C>T on transcript NM_152268.4 (MANE Select); coding-DNA position 366, C replaced by T.
Protein change: p.Leu122=; no amino-acid change (leucine 122 retained).
Molecular consequence: synonymous variant.
Genome position (GRCh38, 1-based): chr1:54,758,796, G>A on the plus strand (C>T on the coding strand, the complement: PARS2 is on the minus strand). VCF-style: chr1-54758796-G-A. GRCh37 (hg19) VCF-style: chr1-55224469-G-A.
Other names: c.366C>T (NM_152268.3).
Identifiers: ClinVar variation 2079193 (VCV002079193.10), dbSNP rs369889041, ClinGen allele CA869496.

ClinVar aggregate classification (germline): Likely benign. Review status: criteria provided, multiple submitters, no conflicts (2 of 4 stars). 3 submissions from 3 submitters: Likely benign (2). 1 of the submissions does not count toward it. Last evaluated 2026-02-01.

Conditions:
PARS2-related disorder.

Allele frequency attached by ClinVar (database versions not stated): ExAC 0.00002; ESP Exome Variant Server 0.00008; gnomAD exomes 0.00009; TOPMed 0.00010; gnomAD 0.00013.
gnomAD v4.1: 141 of 1,614,094 alleles (0.0087%); highest among the groups gnomAD compares: Non-Finnish European, 0.011%; no homozygotes.

Submissions (3):

CeGaT Center for Human Genetics Tuebingen
Classification: Likely benign. Last evaluated: 2026-02-01. Review status: criteria provided, single submitter. Criteria: CeGaT Center For Human Genetics Tuebingen Variant Classification Criteria Version 2. Collection method: clinical testing. Allele origin: germline. Affected: yes. Observed: 1 variant allele.
Comment: PARS2: BP4, BP7

Labcorp Genetics (formerly Invitae), Labcorp
Classification: Likely benign. Last evaluated: 2024-12-05. Review status: criteria provided, single submitter. Criteria: Invitae Variant Classification Sherloc (09022015). Collection method: clinical testing. Allele origin: germline.

PreventionGenetics, part of Exact Sciences
Classification: Likely benign for PARS2-related condition. Last evaluated: 2020-04-13. Review status: no assertion criteria provided. Collection method: clinical testing. Allele origin: germline. Not counted in ClinVar's aggregate classification.
Comment: This variant is classified as likely benign based on ACMG/AMP sequence variant interpretation guidelines (Richards et al. 2015 PMID: 25741868, with internal and published modifications).